The following is an entry in ClinVar:

ClinVar aggregate classification (germline): Uncertain significance (1 of 4 stars; one submission).

Conditions:
Autosomal dominant hypocalcemia 1 (HYPOC1). Also called: HYPOCALCEMIA, FAMILIAL. Identifiers: MedGen C3715128, MONDO:0011013, OMIM 601198.
Familial hypocalciuric hypercalcemia (FHH). Also called: Familial benign hypercalcemia. Identifiers: Orphanet 405, MedGen C1809471, MONDO:0018458.

Submission:

Labcorp Genetics (formerly Invitae), Labcorp
Classification: Uncertain significance for Familial hypocalciuric hypercalcemia; Autosomal dominant hypocalcemia 1. Last evaluated: 2023-04-04. Review status: criteria provided, single submitter. Criteria: Invitae Variant Classification Sherloc (09022015). Collection method: clinical testing. Allele origin: germline.
Comment: This variant is not present in population databases (gnomAD no frequency). In summary, the available evidence is currently insufficient to determine the role of this variant in disease. Therefore, it has been classified as a Variant of Uncertain Significance. An algorithm developed to predict the effect of missense changes on protein structure and function (PolyPhen-2) suggests that this variant is likely to be tolerated. This variant has not been reported in the literature in individuals affected with CASR-related conditions. This sequence change replaces phenylalanine, which is neutral and non-polar, with valine, which is neutral and non-polar, at codon 924 of the CASR protein (p.Phe924Val).

NM_000388.4(CASR):c.2770T>G (p.Phe924Val)

Gene: CASR (calcium sensing receptor; plus strand). Cytogenetic location: 3q21.1.
Variant type: single nucleotide variant.
Coding change: c.2770T>G on transcript NM_000388.4 (MANE Select); coding-DNA position 2770, T replaced by G.
Protein change: p.Phe924Val; replaces phenylalanine 924 with valine.
Molecular consequence: missense variant.
Genome position (GRCh38, 1-based): chr3:122,284,724, T>G. VCF-style: chr3-122284724-T-G. GRCh37 (hg19) VCF-style: chr3-122003571-T-G.
Other names: c.2800T>G, p.Phe934Val (NM_001178065.2); short protein forms F924V, F934V.
Identifiers: ClinVar variation 2946117 (VCV002946117.3), dbSNP rs778591886, ClinGen allele CA354160728.
Genomic context (GRCh38, chr3:122,284,724, plus strand): 5'-GGCTCCACGGGATCCACCCCCTCCTCCTCCATCAGCAGCAAGAGCAACAGCGAAGACCCA[T>G]TCCCACAGCCCGAGAGGCAGAAGCAGCAGCAGCCGCTGGCCCTAACCCAGCAAGAGCAGC-3'
Protein context (NP_000379.3, residues 914-934): ISSKSNSEDP[Phe924Val]PQPERQKQQQ